The following is an entry in ClinVar:

ClinVar aggregate classification (germline): Uncertain significance. Review status: criteria provided, multiple submitters, no conflicts (2 of 4 stars). 2 submissions from 2 submitters: Uncertain significance (2). Last evaluated 2025-05-14.

Conditions:
Inborn genetic diseases. Identifiers: MedGen C0950123, MeSH D030342.
Leber congenital amaurosis 9 (LCA9). Also called: LCA9 Leber Congenital Amaurosis; LCA 9; Amaurosis congenita of Leber, type 9. Identifiers: Orphanet 65, MedGen C1837873, MONDO:0012056, OMIM 608553.

gnomAD v4.1: 1 of 1,614,142 alleles (0.000062%); highest among the groups gnomAD compares: Non-Finnish European, 0.000085%; no homozygotes.

Submissions (2):

Ambry Genetics
Classification: Uncertain significance for Inborn genetic diseases. Last evaluated: 2025-05-14. Review status: criteria provided, single submitter. Criteria: Ambry Variant Classification Scheme 2023. Collection method: clinical testing. Allele origin: germline.

Labcorp Genetics (formerly Invitae), Labcorp
Classification: Uncertain significance for Leber congenital amaurosis 9. Last evaluated: 2022-07-06. Review status: criteria provided, single submitter. Criteria: Invitae Variant Classification Sherloc (09022015). Collection method: clinical testing. Allele origin: germline.
Comment: In summary, the available evidence is currently insufficient to determine the role of this variant in disease. Therefore, it has been classified as a Variant of Uncertain Significance. Algorithms developed to predict the effect of missense changes on protein structure and function are either unavailable or do not agree on the potential impact of this missense change (SIFT: "Deleterious"; PolyPhen-2: "Probably Damaging"; Align-GVGD: "Class C0"). ClinVar contains an entry for this variant (Variation ID: 1365406). This variant has not been reported in the literature in individuals affected with NMNAT1-related conditions. This variant is not present in population databases (gnomAD no frequency). This sequence change replaces cysteine, which is neutral and slightly polar, with tyrosine, which is neutral and polar, at codon 185 of the NMNAT1 protein (p.Cys185Tyr).

NM_022787.4(NMNAT1):c.554G>A (p.Cys185Tyr)

Gene: NMNAT1 (nicotinamide nucleotide adenylyltransferase 1; plus strand). Cytogenetic location: 1p36.22.
Variant type: single nucleotide variant.
Coding change: c.554G>A on transcript NM_022787.4 (MANE Select); coding-DNA position 554, G replaced by A.
Protein change: p.Cys185Tyr; replaces cysteine 185 with tyrosine.
Molecular consequence: missense variant.
Genome position (GRCh38, 1-based): chr1:9,982,415, G>A. VCF-style: chr1-9982415-G-A. GRCh37 (hg19) VCF-style: chr1-10042473-G-A.
Other names: c.554G>A (NM_022787.3); c.554G>A, p.Cys185Tyr (NM_001297778.1); short protein forms C185Y.
Identifiers: ClinVar variation 1365406 (VCV001365406.7), dbSNP rs773858787, ClinGen allele CA338686701.